The following is an entry in ClinVar:

ClinVar aggregate classification (germline): Likely benign. Review status: criteria provided, multiple submitters, no conflicts (2 of 4 stars). 2 submissions from 2 submitters: Likely benign (2). Last evaluated 2025-08-01.

Allele frequency attached by ClinVar (database versions not stated): ESP Exome Variant Server 0.00015; ExAC 0.00016; gnomAD exomes 0.00016; TOPMed 0.00025; gnomAD 0.00026 and 0.00027; 1000 Genomes Project 30x 0.00031; 1000 Genomes Project 0.00040.
gnomAD v4.1: 434 of 1,614,152 alleles (0.027%); highest among the groups gnomAD compares: Non-Finnish European, 0.033%; 1 homozygote.

Submissions (2):

CeGaT Center for Human Genetics Tuebingen
Classification: Likely benign. Last evaluated: 2025-08-01. Review status: criteria provided, single submitter. Criteria: CeGaT Center For Human Genetics Tuebingen Variant Classification Criteria Version 2. Collection method: clinical testing. Allele origin: germline. Affected: yes. Observed: 1 variant allele.
Comment: SLC6A17: BP4, BP7

Genetic Services Laboratory, University of Chicago
Classification: Likely benign. Last evaluated: 2017-08-03. Review status: criteria provided, single submitter. Criteria: ACMG Guidelines, 2015. Collection method: clinical testing. Allele origin: germline. Affected: no.

NM_001010898.4(SLC6A17):c.696C>T (p.Leu232=)

Gene: SLC6A17 (solute carrier family 6 member 17; plus strand). Cytogenetic location: 1p13.3.
Variant type: single nucleotide variant.
Coding change: c.696C>T on transcript NM_001010898.4 (MANE Select); coding-DNA position 696, C replaced by T.
Protein change: p.Leu232=; no amino-acid change (leucine 232 retained).
Molecular consequence: synonymous variant.
Genome position (GRCh38, 1-based): chr1:110,174,903, C>T. VCF-style: chr1-110174903-C-T. GRCh37 (hg19) VCF-style: chr1-110717525-C-T.
Identifiers: ClinVar variation 1336151 (VCV001336151.12), dbSNP rs373414163, ClinGen allele CA997965.